The following is an entry in ClinVar:

ClinVar aggregate classification (germline): Pathogenic. Review status: criteria provided, single submitter (1 of 4 stars). 2 submissions from 2 submitters: Pathogenic (1). 1 of the submissions does not count toward it. Last evaluated 2025-11-09.

Conditions:
Incontinentia pigmenti syndrome (IP). Also called: INCONTINENTIA PIGMENTI, FAMILIAL MALE-LETHAL TYPE; BLOCH-SULZBERGER SYNDROME; INCONTINENTIA PIGMENTI, TYPE II; Incontinentia Pigmenti. Identifiers: Orphanet 464, MedGen C0021171, MONDO:0010631, OMIM 308300.

Submissions (2):

GeneDx
Classification: Pathogenic. Last evaluated: 2025-11-09. Review status: criteria provided, single submitter. Criteria: GeneDx Variant Classification Process June 2021. Collection method: clinical testing. Allele origin: germline. Affected: yes.
Comment: Published functional studies demonstrate a damaging effect on protein expression (PMID: 16532398); Nonsense variant predicted to result in protein truncation or nonsense mediated decay in a gene for which loss of function is a known mechanism of disease; Not observed at significant frequency in large population cohorts (gnomAD); This variant is associated with the following publications: (PMID: 25525159, 10839543, 24324710, 33085210, 15229184, 18350553, 11590134, 33655605, 16532398)

OMIM
Classification: Pathogenic for INCONTINENTIA PIGMENTI. Last evaluated: 2000-05-25. Review status: no assertion criteria provided. Collection method: literature only. Allele origin: germline. Not counted in ClinVar's aggregate classification.

Literature cited by the submitters: PubMed 10839543 (cited by OMIM).

NM_001099857.5(IKBKG):c.184C>T (p.Arg62Ter)

Gene: IKBKG (inhibitor of nuclear factor kappa B kinase regulatory subunit gamma; plus strand). Cytogenetic location: Xq28.
Variant type: single nucleotide variant.
Coding change: c.184C>T on transcript NM_001099857.5 (MANE Select); coding-DNA position 184, C replaced by T.
Protein change: p.Arg62Ter; replaces arginine 62 with a stop codon.
Molecular consequence: nonsense. On other transcripts: non-coding transcript variant (1).
Genome position (GRCh38, 1-based): chrX:154,552,186, C>T. VCF-style: chrX-154552186-C-T. GRCh37 (hg19) VCF-style: chrX-153780401-C-T.
Other names: P62*; c.388C>T, p.Arg130Ter (NM_001099856.6); c.184C>T, p.Arg62Ter (NM_001145255.4, NM_001321396.3, NM_001321397.3 and 5 more transcripts); short protein forms R130*, R62*.
Identifiers: ClinVar variation 11452 (VCV000011452.7), dbSNP rs137853323, ClinGen allele CA255890.